The following is an entry in ClinVar:

ClinVar aggregate classification (germline): Uncertain significance (1 of 4 stars; one submission).

Submission:

Labcorp Genetics (formerly Invitae), Labcorp
Classification: Uncertain significance. Last evaluated: 2021-11-05. Review status: criteria provided, single submitter. Criteria: Invitae Variant Classification Sherloc (09022015). Collection method: clinical testing. Allele origin: germline.
Comment: This sequence change replaces isoleucine, which is neutral and non-polar, with valine, which is neutral and non-polar, at codon 349 of the CCBE1 protein (p.Ile349Val). This variant is not present in population databases (gnomAD no frequency). This variant has not been reported in the literature in individuals affected with CCBE1-related conditions. Algorithms developed to predict the effect of missense changes on protein structure and function (SIFT, PolyPhen-2, Align-GVGD) all suggest that this variant is likely to be disruptive. In summary, the available evidence is currently insufficient to determine the role of this variant in disease. Therefore, it has been classified as a Variant of Uncertain Significance.

NM_133459.4(CCBE1):c.1045A>G (p.Ile349Val)

Gene: CCBE1 (collagen and calcium binding EGF domains 1; minus strand). Cytogenetic location: 18q21.32.
Variant type: single nucleotide variant.
Coding change: c.1045A>G on transcript NM_133459.4 (MANE Select); coding-DNA position 1045, A replaced by G.
Protein change: p.Ile349Val; replaces isoleucine 349 with valine.
Molecular consequence: missense variant.
Genome position (GRCh38, 1-based): chr18:59,436,084, T>C on the plus strand (A>G on the coding strand, the complement: CCBE1 is on the minus strand). VCF-style: chr18-59436084-T-C. GRCh37 (hg19) VCF-style: chr18-57103316-T-C.
Other names: short protein forms I349V.
Identifiers: ClinVar variation 1485149 (VCV001485149.6), dbSNP rs2143605403, ClinGen allele CA402594178.